The following is an entry in ClinVar:

NM_152383.5(DIS3L2):c.2436_2437delinsAC (p.Lys813Gln)

Gene: DIS3L2 (DIS3 like 3'-5' exoribonuclease 2; plus strand). Cytogenetic location: 2q37.1.
Variant type: Indel.
Coding change: c.2436_2437delinsAC on transcript NM_152383.5 (MANE Select); coding-DNA positions 2436 to 2437, GA replaced by AC.
Protein change: p.Lys813Gln; replaces lysine 813 with glutamine.
Molecular consequence: missense variant. On other transcripts: non-coding transcript variant (2), intron variant (1).
Genome position (GRCh38, 1-based): chr2:232,335,814-232,335,815, GA replaced by AC. VCF-style: chr2-232335814-GA-AC. GRCh37 (hg19) VCF-style: chr2-233200524-GA-AC.
Other names: c.1582-7531_1582-7530delinsAC (NM_001257281.2); short protein forms K813Q.
Identifiers: ClinVar variation 2902698 (VCV002902698.3), dbSNP rs2469452873, ClinGen allele CA2739279754.

ClinVar aggregate classification (germline): Uncertain significance (1 of 4 stars; one submission).

Conditions:
Perlman syndrome (PRLMNS). Identifiers: Orphanet 2849, MedGen C0796113, MONDO:0009965, OMIM 267000.

Submission:

Labcorp Genetics (formerly Invitae), Labcorp
Classification: Uncertain significance for Perlman syndrome. Last evaluated: 2023-04-06. Review status: criteria provided, single submitter. Criteria: Invitae Variant Classification Sherloc (09022015). Collection method: clinical testing. Allele origin: germline.
Comment: This variant has not been reported in the literature in individuals affected with DIS3L2-related conditions. Information on the frequency of this variant in the gnomAD database is not available, as this variant may be reported differently in the database. This sequence change replaces lysine, which is basic and polar, with glutamine, which is neutral and polar, at codon 813 of the DIS3L2 protein (p.Lys813Gln). Experimental studies and prediction algorithms are not available or were not evaluated, and the functional significance of this variant is currently unknown. In summary, the available evidence is currently insufficient to determine the role of this variant in disease. Therefore, it has been classified as a Variant of Uncertain Significance.